The following is an entry in ClinVar:

ClinVar aggregate classification (germline): Conflicting classifications of pathogenicity. Review status: criteria provided, conflicting classifications (1 of 4 stars). 6 submissions from 6 submitters: Uncertain significance (1); Likely benign (5). Last evaluated 2026-01-19.

Conditions:
Inborn genetic diseases. Identifiers: MedGen C0950123, MeSH D030342.
Glucose-6-phosphate transport defect (GSD1B). Also called: GSD Ib; Glycogen Storage Disease Type Ib. Identifiers: Orphanet 364, Orphanet 79259, MedGen C0268146, MONDO:0009288, OMIM 232220.
Phosphate transport defect (GSD1C). Also called: GSD Ic; GLYCOGEN STORAGE DISEASE Ic. Identifiers: Orphanet 364, Orphanet 79259, MedGen C0342749, OMIM 232240.
Congenital disorder of glycosylation, type IIw. Identifiers: MedGen C5561986, MONDO:0030437, OMIM 619525.
Glycogen storage disease, type I. Identifiers: Orphanet 364, MedGen C0017920, MONDO:0002413.

Allele frequency attached by ClinVar (database versions not stated): TOPMed 0.00010.

Submissions (6):

Labcorp Genetics (formerly Invitae), Labcorp
Classification: Likely benign for Glucose-6-phosphate transport defect. Last evaluated: 2026-01-19. Review status: criteria provided, single submitter. Criteria: Invitae Variant Classification Sherloc (09022015). Collection method: clinical testing. Allele origin: germline.

CeGaT Center for Human Genetics Tuebingen
Classification: Likely benign. Last evaluated: 2024-07-01. Review status: criteria provided, single submitter. Criteria: CeGaT Center For Human Genetics Tuebingen Variant Classification Criteria Version 2. Collection method: clinical testing. Allele origin: germline. Affected: yes. Observed: 1 variant allele.
Comment: SLC37A4: BP4, BP7

Ambry Genetics
Classification: Likely benign for Inborn genetic diseases. Last evaluated: 2024-02-18. Review status: criteria provided, single submitter. Criteria: Ambry Variant Classification Scheme 2023. Collection method: clinical testing. Allele origin: germline.

Women's Health and Genetics/Laboratory Corporation of America, LabCorp
Classification: Likely benign. Last evaluated: 2020-12-07. Review status: criteria provided, single submitter. Criteria: LabCorp Variant Classification Summary - May 2015. Collection method: clinical testing. Allele origin: germline.
Comment: Variant summary: SLC37A4 c.492C>T alters a conserved nucleotide resulting in a synonymous change. 4/4 computational tools predict no significant impact on normal splicing. However, these predictions have yet to be confirmed by functional studies. The variant allele was found at a frequency of 6.9e-05 in 246696 control chromosomes, predominantly at a frequency of 0.00013 within the Non-Finnish European subpopulation in the gnomAD database. This frequency is not significantly higher than expected for a pathogenic variant in SLC37A4 causing Glycogen Storage Disease Type Ib (6.9e-05 vs 0.0012), allowing no conclusion about variant significance. To our knowledge, no occurrence of c.492C>T in individuals affected with Glycogen Storage Disease Type Ib and no experimental evidence demonstrating its impact on protein function have been reported. Two clinical diagnostic laboratories have submitted clinical-significance assessments for this variant to ClinVar after 2014 without evidence for independent evaluation. One laboratory classified the variant as likely benign, and one laboratory classified the variant as uncertain significance. Based on the evidence outlined above, the variant was classified as likely benign.

Illumina Laboratory Services, Illumina
Classification: Uncertain significance for Glycogen storage disease, type I. Last evaluated: 2018-01-13. Review status: criteria provided, single submitter. Criteria: ICSL Variant Classification Criteria 13 December 2019. Collection method: clinical testing. Allele origin: germline.

Center for Genomics, Ann and Robert H. Lurie Children's Hospital of Chicago
Classification: Likely benign for Glucose-6-phosphate transport defect; Congenital disorder of glycosylation, type IIw; Phosphate transport defect. Review status: criteria provided, single submitter. Criteria: ACMG Guidelines, 2015. Collection method: clinical testing. Allele origin: germline.
Comment: This variant has not been reported in the literature but is present in the Genome Aggregation Database (Highest reported MAF 0.01% (9/68046). This variant is present in ClinVar, with multiple labs classifying this variant as Likely benign (Variation ID:302706). Evolutionary conservation and computational predictive tools for this variant are limited or unavailable. Of note, this variant is a silent variant and does not change the amino acid, reducing the probability that this variant is disease causing. In summary, data on this variant suggests that this variant does not cause disease but requires further evidence. Therefore, this variant is classified as likely benign.

NM_001164277.2(SLC37A4):c.492C>T (p.Ser164=)

Gene: SLC37A4 (solute carrier family 37 member 4; minus strand). Cytogenetic location: 11q23.3.
Variant type: single nucleotide variant.
Coding change: c.492C>T on transcript NM_001164277.2 (MANE Select); coding-DNA position 492, C replaced by T.
Protein change: p.Ser164=; no amino-acid change (serine 164 retained).
Molecular consequence: synonymous variant.
Genome position (GRCh38, 1-based): chr11:119,027,762, G>A on the plus strand (C>T on the coding strand, the complement: SLC37A4 is on the minus strand). VCF-style: chr11-119027762-G-A. GRCh37 (hg19) VCF-style: chr11-118898472-G-A.
Other names: c.492C>T, p.Ser164= (NM_001164278.2, NM_001164280.2, NM_001467.6); c.273C>T, p.Ser91= (NM_001164279.2); c.492C>T (NM_001467.5).
Identifiers: ClinVar variation 302706 (VCV000302706.36), dbSNP rs369399624, ClinGen allele CA6311827.